The following is an entry in ClinVar:

Conditions:
Breast-ovarian cancer, familial, susceptibility to, 1 (BROVCA1). Also called: BRCA1 Hereditary Breast and Ovarian Cancer; OVARIAN CANCER, SUSCEPTIBILITY TO. Identifiers: Orphanet 145, MedGen C2676676, MONDO:0011450, OMIM 604370. Disease mechanism: loss of function.

Submission:

Brotman Baty Institute, University of Washington
No classification provided (evidence only). Condition: Breast-ovarian cancer, familial 1. Review status: no classification provided. Collection method: in vitro. Allele origin: not applicable. Functional consequence: functionally_normal.
ClinVar note: "not provided" was previously submitted as the classification for the variant. However, the classification appeared to be based only on an observation of functional data so it was converted to no classification on 2025-07-30.

NM_007294.4(BRCA1):c.5278-4C>T

Gene: BRCA1 (BRCA1 DNA repair associated; minus strand). Cytogenetic location: 17q21.31.
Variant type: single nucleotide variant.
Coding change: c.5278-4C>T on transcript NM_007294.4 (MANE Select); 4 bases into the intron before coding-DNA position 5278, C replaced by T.
Molecular consequence: intron variant.
Genome position (GRCh38, 1-based): chr17:43,051,121, G>A on the plus strand (C>T on the coding strand, the complement: BRCA1 is on the minus strand). VCF-style: chr17-43051121-G-A. GRCh37 (hg19) VCF-style: chr17-41203138-G-A.
Other names: c.1822-4C>T (NM_001408468.1, NM_001408470.1, NM_001408469.1); c.5131-4C>T (NM_001407842.1, NM_001407846.1, NM_001407850.1 and 12 more transcripts); c.5134-4C>T (NM_001407749.1, NM_001407943.1, NM_001407748.1 and 21 more transcripts); c.1705-4C>T (NM_001408501.1, NM_001408500.1, NM_001408497.1 and 3 more transcripts); c.1828-4C>T (NM_001408455.1, NM_001408452.1, NM_001408457.1 and 3 more transcripts); c.5137-4C>T (NM_001407731.1, NM_001407695.1, NM_001407726.1 and 13 more transcripts); c.5068-4C>T (NM_001407889.1, NM_001407884.1, NM_001407879.1 and 5 more transcripts); c.1438-4C>T (NM_001408513.1); and 74 more.
Identifiers: ClinVar variation 867948 (VCV000867948.3), dbSNP rs2051215676, ClinGen allele CA916081049.
Genomic context (GRCh38, chr17:43,051,121, plus strand): 5'-ACCTGTGGGCATGTTGGTGAAGGGCCCATAGCAACAGATTTCTAGCCCCCTGAAGATCTG[G>A]AAGAAGAGAGGAAGAGAGAGGGACAGGGGAATGGAGAGAAGGAAAATCTAGTTATAAAAG-3'